The following is an entry in ClinVar:

ClinVar aggregate classification (germline): Benign/Likely benign. Review status: criteria provided, multiple submitters, no conflicts (2 of 4 stars). 4 submissions from 4 submitters: Benign (1); Likely benign (2). 1 of the submissions does not count toward it. Last evaluated 2025-12-28.

Conditions:
Congenital sensory neuropathy with selective loss of small myelinated fibers (HSAN5). Also called: HSAN Type V. Identifiers: Orphanet 64752, MedGen C0020075, MONDO:0012092, OMIM 608654.
NGF-related disorder. Also called: NGF-related condition.

Allele frequency attached by ClinVar (database versions not stated): 1000 Genomes Project 0.00100; 1000 Genomes Project 30x 0.00125; ESP Exome Variant Server 0.00138; gnomAD 0.00161 and 0.00177; TOPMed 0.00187; gnomAD exomes 0.00016 and 0.00033; ExAC 0.00040.
gnomAD v4.1: 486 of 1,614,212 alleles (0.03%); highest among the groups gnomAD compares: African/African-American, 0.59%; 2 homozygotes.

Submissions (4):

Labcorp Genetics (formerly Invitae), Labcorp
Classification: Benign for Congenital sensory neuropathy with selective loss of small myelinated fibers. Last evaluated: 2025-12-28. Review status: criteria provided, single submitter. Criteria: Invitae Variant Classification Sherloc (09022015). Collection method: clinical testing. Allele origin: germline.

Genome-Nilou Lab
Classification: Likely benign for Congenital sensory neuropathy with selective loss of small myelinated fibers. Last evaluated: 2023-04-11. Review status: criteria provided, single submitter. Criteria: ACMG Guidelines, 2015. Collection method: clinical testing. Allele origin: germline. Affected: no.

GeneDx
Classification: Likely benign. Last evaluated: 2016-03-03. Review status: criteria provided, single submitter. Criteria: GeneDx Variant Classification (06012015). Collection method: clinical testing. Allele origin: germline. Affected: yes.
Comment: This variant is considered likely benign or benign based on one or more of the following criteria: it is a conservative change, it occurs at a poorly conserved position in the protein, it is predicted to be benign by multiple in silico algorithms, and/or has population frequency not consistent with disease.

PreventionGenetics, part of Exact Sciences
Classification: Likely benign for NGF-related condition. Last evaluated: 2020-01-03. Review status: no assertion criteria provided. Collection method: clinical testing. Allele origin: germline. Not counted in ClinVar's aggregate classification.
Comment: This variant is classified as likely benign based on ACMG/AMP sequence variant interpretation guidelines (Richards et al. 2015 PMID: 25741868, with internal and published modifications).

NM_002506.3(NGF):c.78C>T (p.Val26=)

Genes: NGF (nerve growth factor; minus strand), NGF-AS1 (NGF antisense RNA 1; plus strand). Cytogenetic location: 1p13.2.
Variant type: single nucleotide variant.
Coding change: c.78C>T on transcript NM_002506.3 (MANE Select); coding-DNA position 78, C replaced by T.
Protein change: p.Val26=; no amino-acid change (valine 26 retained).
Molecular consequence: synonymous variant.
Genome position (GRCh38, 1-based): chr1:115,286,718, G>A on the plus strand (C>T on the coding strand, the complement: NGF is on the minus strand). VCF-style: chr1-115286718-G-A. GRCh37 (hg19) VCF-style: chr1-115829339-G-A.
Identifiers: ClinVar variation 384001 (VCV000384001.14), dbSNP rs150188752, ClinGen allele CA1023070.